The following is an entry in ClinVar:

ClinVar aggregate classification (germline): Uncertain significance (1 of 4 stars; one submission).

Conditions:
Spermatogenic failure 65 (SPGF65). Identifiers: MedGen C5562067, MONDO:0030531, OMIM 619712.

Submission:

Juno Genomics, Hangzhou Juno Genomics, Inc
Classification: Uncertain significance for Spermatogenic failure 65. Review status: criteria provided, single submitter. Criteria: ACMG Guidelines, 2015. Collection method: clinical testing. Allele origin: germline.
Comment: Absent from controls (or at extremely low frequency if recessive) in Genome Aggregation Database.;Protein length changes due to in-frame deletions/insertions in a non-repeat region or stop-loss variants.

NM_144666.3(DNHD1):c.5729_5730insACTACTGCATGC (p.Leu1912_Arg1913insHisAlaLeuLeu)

Gene: DNHD1 (dynein heavy chain domain 1; plus strand). Cytogenetic location: 11p15.4.
Variant type: Insertion.
Coding change: c.5729_5730insACTACTGCATGC on transcript NM_144666.3 (MANE Select); coding-DNA positions 5729 to 5730, ACTACTGCATGC inserted.
Protein change: p.Leu1912_Arg1913insHisAlaLeuLeu.
Molecular consequence: inframe insertion.
Genome position: GRCh38 VCF-style: chr11-6546665-C-CTGCACTACTGCA. GRCh37 (hg19) VCF-style: chr11-6567895-C-CTGCACTACTGCA.
Identifiers: ClinVar variation 5007898 (VCV005007898.2).